The following is an entry in ClinVar:

NM_007194.4(CHEK2):c.846+7A>G

Gene: CHEK2 (checkpoint kinase 2; minus strand). Cytogenetic location: 22q12.1.
Variant type: single nucleotide variant.
Coding change: c.846+7A>G on transcript NM_007194.4 (MANE Select); 7 bases into the intron after coding-DNA position 846, A replaced by G.
Molecular consequence: intron variant.
Genome position (GRCh38, 1-based): chr22:28,709,999, T>C on the plus strand (A>G on the coding strand, the complement: CHEK2 is on the minus strand). VCF-style: chr22-28709999-T-C. GRCh37 (hg19) VCF-style: chr22-29105987-T-C.
Other names: c.183+7A>G (NM_001437942.1, NM_001257387.3); c.645+7A>G (NM_001349956.3); c.846+7A>G (NM_145862.3); c.939+7A>G (NM_001438295.1, NM_001438293.1); c.975+7A>G (NM_001438294.1, NM_001005735.3).
Identifiers: ClinVar variation 460858 (VCV000460858.17), dbSNP rs763340730, ClinGen allele CA10167847.

ClinVar aggregate classification (germline): Likely benign. Review status: criteria provided, multiple submitters, no conflicts (2 of 4 stars). 4 submissions from 4 submitters: Likely benign (4). Last evaluated 2025-08-31.

Conditions:
Hereditary cancer-predisposing syndrome. Also called: Neoplastic Syndromes, Hereditary; Hereditary Cancer Syndrome; Hereditary neoplastic syndrome; Tumor predisposition. Identifiers: Orphanet 140162, MedGen C0027672, MeSH D009386, MONDO:0015356.
Familial cancer of breast. Also called: hereditary breast carcinoma; Hereditary breast cancer; BREAST CANCER, FAMILIAL. Identifiers: Orphanet 227535, MedGen C0346153, MONDO:0016419, OMIM 114480. Disease mechanism: loss of function.

Allele frequency attached by ClinVar (database versions not stated): gnomAD exomes below 0.00001 and 0.00001; TOPMed below 0.00001; gnomAD 0.00001; ExAC 0.00002.
gnomAD v4.1: 6 of 1,434,812 alleles (0.00042%); highest among the groups gnomAD compares: South Asian, 0.0035%; no homozygotes.

Submissions (4):

Labcorp Genetics (formerly Invitae), Labcorp
Classification: Likely benign for Familial cancer of breast. Last evaluated: 2025-08-31. Review status: criteria provided, single submitter. Criteria: Invitae Variant Classification Sherloc (09022015). Collection method: clinical testing. Allele origin: germline.

Myriad Genetics, Inc.
Classification: Likely benign for Familial cancer of breast. Last evaluated: 2024-10-03. Review status: criteria provided, single submitter. Criteria: Myriad Autosomal Dominant, Autosomal Recessive and X-Linked Classification Criteria (2023). Collection method: clinical testing. Allele origin: unknown.
Comment: This variant is considered likely benign. This variant is intronic and is not expected to impact mRNA splicing.

Blueprint Genetics
Classification: Likely benign. Last evaluated: 2022-11-10. Review status: criteria provided, single submitter. Criteria: ACMG Guidelines, 2015. Collection method: clinical testing. Allele origin: germline.

Color Diagnostics, LLC DBA Color Health
Classification: Likely benign for Hereditary cancer-predisposing syndrome. Last evaluated: 2019-03-11. Review status: criteria provided, single submitter. Criteria: ACMG Guidelines, 2015. Collection method: clinical testing. Allele origin: germline.